The following is an entry in ClinVar:

ClinVar aggregate classification (germline): Uncertain significance (1 of 4 stars; one submission).

Conditions:
Inborn genetic diseases. Identifiers: MedGen C0950123, MeSH D030342.

Submission:

Ambry Genetics
Classification: Uncertain significance for Inborn genetic diseases. Last evaluated: 2025-05-19. Review status: criteria provided, single submitter. Criteria: Ambry Variant Classification Scheme 2023. Collection method: clinical testing. Allele origin: germline.
Comment: The p.P1576S variant (also known as c.4726C>T), located in coding exon 1 of the SAMD9L gene, results from a C to T substitution at nucleotide position 4726. The proline at codon 1576 is replaced by serine, an amino acid with similar properties. This amino acid position is conserved. In addition, this alteration is predicted to be tolerated by in silico analysis. Based on the available evidence, the clinical significance of this variant remains unclear.

NM_152703.5(SAMD9L):c.4726C>T (p.Pro1576Ser)

Gene: SAMD9L (sterile alpha motif domain containing 9 like; minus strand). Cytogenetic location: 7q21.2.
Variant type: single nucleotide variant.
Coding change: c.4726C>T on transcript NM_152703.5 (MANE Select); coding-DNA position 4726, C replaced by T.
Protein change: p.Pro1576Ser; replaces proline 1576 with serine.
Molecular consequence: missense variant.
Genome position (GRCh38, 1-based): chr7:93,131,246, G>A on the plus strand (C>T on the coding strand, the complement: SAMD9L is on the minus strand). VCF-style: chr7-93131246-G-A. GRCh37 (hg19) VCF-style: chr7-92760559-G-A.
Other names: c.4726C>T, p.Pro1576Ser (NM_001303496.3, NM_001303497.3, NM_001303498.3 and 5 more transcripts); short protein forms P1576S.
Identifiers: ClinVar variation 3949937 (VCV003949937.1).